The following is an entry in ClinVar:

ClinVar aggregate classification (germline): Conflicting classifications of pathogenicity. Review status: criteria provided, conflicting classifications (1 of 4 stars). 2 submissions from 2 submitters: Uncertain significance (1); Likely benign (1). Last evaluated 2022-03-01.

Conditions:
Inborn genetic diseases. Identifiers: MedGen C0950123, MeSH D030342.
Congenital myasthenic syndrome 8. Also called: MYASTHENIC SYNDROME, CONGENITAL, DUE TO AGRIN DEFICIENCY; Myasthenic syndrome, congenital, 8, with pre- and postsynaptic defects. Identifiers: Orphanet 590, MedGen C3808739, MONDO:0014052, OMIM 615120.

Allele frequency attached by ClinVar (database versions not stated): TOPMed 0.00001; gnomAD 0.00002 and 0.00004; gnomAD exomes 0.00004 and 0.00009; ExAC 0.00011; 1000 Genomes Project 30x 0.00016.
gnomAD v4.1: 63 of 1,610,478 alleles (0.0039%); highest among the groups gnomAD compares: South Asian, 0.052%; no homozygotes.

Submissions (2):

Labcorp Genetics (formerly Invitae), Labcorp
Classification: Uncertain significance for Congenital myasthenic syndrome 8. Last evaluated: 2022-03-01. Review status: criteria provided, single submitter. Criteria: Invitae Variant Classification Sherloc (09022015). Collection method: clinical testing. Allele origin: germline.
Comment: This sequence change replaces proline, which is neutral and non-polar, with leucine, which is neutral and non-polar, at codon 1019 of the AGRN protein (p.Pro1019Leu). This variant is present in population databases (rs756489447, gnomAD 0.06%). This variant has not been reported in the literature in individuals affected with AGRN-related conditions. ClinVar contains an entry for this variant (Variation ID: 653290). Algorithms developed to predict the effect of missense changes on protein structure and function output the following: SIFT: "Tolerated"; PolyPhen-2: "Possibly Damaging"; Align-GVGD: "Class C0". The leucine amino acid residue is found in multiple mammalian species, which suggests that this missense change does not adversely affect protein function. In summary, the available evidence is currently insufficient to determine the role of this variant in disease. Therefore, it has been classified as a Variant of Uncertain Significance.

Ambry Genetics
Classification: Likely benign for Inborn genetic diseases. Last evaluated: 2021-11-16. Review status: criteria provided, single submitter. Criteria: Ambry Variant Classification Scheme 2023. Collection method: clinical testing. Allele origin: germline.

NM_198576.4(AGRN):c.3056C>T (p.Pro1019Leu)

Gene: AGRN (agrin; plus strand). Cytogenetic location: 1p36.33.
Variant type: single nucleotide variant.
Coding change: c.3056C>T on transcript NM_198576.4 (MANE Select); coding-DNA position 3056, C replaced by T.
Protein change: p.Pro1019Leu; replaces proline 1019 with leucine.
Molecular consequence: missense variant.
Genome position (GRCh38, 1-based): chr1:1,046,541, C>T. VCF-style: chr1-1046541-C-T. GRCh37 (hg19) VCF-style: chr1-981921-C-T.
Other names: c.3056C>T, p.Pro1019Leu (NM_001305275.2); c.2741C>T, p.Pro914Leu (NM_001364727.2); short protein forms P1019L, P914L.
Identifiers: ClinVar variation 653290 (VCV000653290.7), dbSNP rs756489447, ClinGen allele CA508932.